The following is an entry in ClinVar:

ClinVar aggregate classification (germline): Benign (1 of 4 stars; one submission).

Allele frequency attached by ClinVar (database versions not stated): 1000 Genomes Project 30x 0.12586; TOPMed 0.12846; 1000 Genomes Project 0.13099; gnomAD 0.13195 and 0.13501.
gnomAD v4.1: 212,004 of 1,225,648 alleles (17%); highest among the groups gnomAD compares: East Asian, 21%; 18,971 homozygotes.

Submission:

GeneDx
Classification: Benign. Last evaluated: 2018-06-16. Review status: criteria provided, single submitter. Criteria: GeneDx Variant Classification (06012015). Collection method: clinical testing. Allele origin: germline. Affected: yes.
Comment: This variant is considered likely benign or benign based on one or more of the following criteria: it is a conservative change, it occurs at a poorly conserved position in the protein, it is predicted to be benign by multiple in silico algorithms, and/or has population frequency not consistent with disease.

NM_012123.4(MTO1):c.1637+79T>G

Gene: MTO1 (mitochondrial tRNA translation optimization 1; plus strand). Cytogenetic location: 6q13.
Variant type: single nucleotide variant.
Coding change: c.1637+79T>G on transcript NM_012123.4 (MANE Select); 79 bases into the intron after coding-DNA position 1637, T replaced by G.
Molecular consequence: intron variant.
Genome position (GRCh38, 1-based): chr6:73,482,699, T>G. VCF-style: chr6-73482699-T-G. GRCh37 (hg19) VCF-style: chr6-74192422-T-G.
Other names: c.1712+79T>G (NM_133645.3); c.1757+79T>G (NM_001123226.2).
Identifiers: ClinVar variation 671625 (VCV000671625.1), dbSNP rs12526844, ClinGen allele CA12298824.